The following is an entry in ClinVar:

NM_014679.5(CEP57):c.741T>G (p.Asp247Glu)

Gene: CEP57 (centrosomal protein 57; plus strand). Cytogenetic location: 11q21.
Variant type: single nucleotide variant.
Coding change: c.741T>G on transcript NM_014679.5 (MANE Select); coding-DNA position 741, T replaced by G.
Protein change: p.Asp247Glu; replaces aspartic acid 247 with glutamic acid.
Molecular consequence: missense variant. On other transcripts: intron variant (5).
Genome position (GRCh38, 1-based): chr11:95,821,912, T>G. VCF-style: chr11-95821912-T-G. GRCh37 (hg19) VCF-style: chr11-95555076-T-G.
Other names: c.714T>G, p.Asp238Glu (NM_001243776.2); c.741T>G, p.Asp247Glu (NM_001243777.2); c.660T>G, p.Asp220Glu (NM_001363604.2, NM_001440869.1, NM_001440870.1); c.624T>G, p.Asp208Glu (NM_001440872.1, NM_001440876.1); c.561T>G, p.Asp187Glu (NM_001440873.1); c.543T>G, p.Asp181Glu (NM_001440877.1, NM_001440878.1); c.480T>G, p.Asp160Glu (NM_001440880.1); c.444T>G, p.Asp148Glu (NM_001440881.1); and 5 more; short protein forms D181E, D247E, D148E, D187E, D220E, D238E, D160E, D208E.
Identifiers: ClinVar variation 5034389 (VCV005034389.1).

ClinVar aggregate classification (germline): Uncertain significance (1 of 4 stars; one submission).

Conditions:
Inborn genetic diseases. Identifiers: MedGen C0950123, MeSH D030342.

Submission:

Ambry Genetics
Classification: Uncertain significance for Inborn genetic diseases. Last evaluated: 2026-08-29. Review status: criteria provided, single submitter. Criteria: Ambry Variant Classification Scheme 2023. Collection method: clinical testing. Allele origin: germline.
Comment: The p.D247E variant (also known as c.741T>G), located in coding exon 7 of the CEP57 gene, results from a T to G substitution at nucleotide position 741. The aspartic acid at codon 247 is replaced by glutamic acid, an amino acid with highly similar properties. This amino acid position is conserved. In addition, this alteration is predicted to be tolerated by in silico analysis. Based on the available evidence, the clinical significance of this variant remains unclear.